The following is an entry in ClinVar:

ClinVar aggregate classification (germline): Uncertain significance (1 of 4 stars; one submission).

Conditions:
Charcot-Marie-Tooth disease type 2. Also called: Charcot-Marie-Tooth type 2. Identifiers: Orphanet 64746, MedGen C0270914, MONDO:0018993.

Submission:

Labcorp Genetics (formerly Invitae), Labcorp
Classification: Uncertain significance for Charcot-Marie-Tooth disease type 2. Last evaluated: 2019-12-09. Review status: criteria provided, single submitter. Criteria: Invitae Variant Classification Sherloc (09022015). Collection method: clinical testing. Allele origin: germline.
Comment: This variant has not been reported in the literature in individuals with AARS-related conditions. In summary, the available evidence is currently insufficient to determine the role of this variant in disease. Therefore, it has been classified as a Variant of Uncertain Significance. The current clinical and genetic evidence is not sufficient to establish whether loss-of-function variants in AARS cause disease. This variant is an out-of-frame deletion of the genomic region encompassing 8-9 of the AARS gene. This is expected to create a premature translational stop signal and result in an absent or disrupted protein product.

NC_000016.10:g.(?_70267649)_(70268389_?)del

Gene: AARS1 (alanyl-tRNA synthetase 1; minus strand). Cytogenetic location: 16q22.1.
Variant type: Deletion.
Identifiers: ClinVar variation 832493 (VCV000832493.5).